The following is an entry in ClinVar:

ClinVar aggregate classification (germline): Uncertain significance (1 of 4 stars; one submission).

Submission:

Ambry Genetics
Classification: Uncertain significance. Last evaluated: 2021-09-17. Review status: criteria provided, single submitter. Criteria: Ambry Variant Classification Scheme 2023. Collection method: clinical testing. Allele origin: germline.
Comment: The p.E832K variant (also known as c.2494G>A), located in coding exon 14 of the FBXO38 gene, results from a G to A substitution at nucleotide position 2494. The glutamic acid at codon 832 is replaced by lysine, an amino acid with similar properties. This amino acid position is well conserved in available vertebrate species. In addition, the in silico prediction for this alteration is inconclusive. Since supporting evidence is limited at this time, the clinical significance of this alteration remains unclear.

NM_205836.3(FBXO38):c.2494G>A (p.Glu832Lys)

Gene: FBXO38 (F-box protein 38; plus strand). Cytogenetic location: 5q32.
Variant type: single nucleotide variant.
Coding change: c.2494G>A on transcript NM_205836.3 (MANE Select); coding-DNA position 2494, G replaced by A.
Protein change: p.Glu832Lys; replaces glutamic acid 832 with lysine.
Molecular consequence: missense variant. On other transcripts: intron variant (2).
Genome position (GRCh38, 1-based): chr5:148,427,788, G>A. VCF-style: chr5-148427788-G-A. GRCh37 (hg19) VCF-style: chr5-147807351-G-A.
Other names: c.2428+66G>A (NM_030793.5); c.1918+2087G>A (NM_001271723.2); short protein forms E832K.
Identifiers: ClinVar variation 1792118 (VCV001792118.2), dbSNP rs2531812653, ClinGen allele CA361657894.